The following is an entry in ClinVar:

ClinVar aggregate classification (germline): Uncertain significance (1 of 4 stars; one submission).

Conditions:
Thrombocytopenia 1. Also called: X-linked thrombocytopenia with normal platelets; THROMBOCYTOPENIA, X-LINKED, 1; X-Linked Thrombocytopenia (XLT). Identifiers: Orphanet 268322, Orphanet 852, MedGen C1839163, MONDO:0010743, OMIM 313900.
X-linked severe congenital neutropenia (SCNX). Identifiers: Orphanet 86788, MedGen C1845987, MONDO:0010294, OMIM 300299.
Wiskott-Aldrich syndrome (WAS). Also called: IMMUNODEFICIENCY 2; ALDRICH SYNDROME; WISKOTT-ALDRICH SYNDROME 1; Wiskott-aldrich syndrome, somatic. Identifiers: Orphanet 906, MedGen C0043194, MONDO:0010518, OMIM 301000.

Submission:

Labcorp Genetics (formerly Invitae), Labcorp
Classification: Uncertain significance for Wiskott-Aldrich syndrome; X-linked severe congenital neutropenia; Thrombocytopenia 1. Last evaluated: 2021-09-24. Review status: criteria provided, single submitter. Criteria: Invitae Variant Classification Sherloc (09022015). Collection method: clinical testing. Allele origin: germline.
Comment: This sequence change replaces valine with isoleucine at codon 18 of the WAS protein (p.Val18Ile). The valine residue is weakly conserved and there is a small physicochemical difference between valine and isoleucine. This variant is not present in population databases (ExAC no frequency). This variant has not been reported in the literature in individuals with WAS-related conditions. Algorithms developed to predict the effect of missense changes on protein structure and function output the following: SIFT: "Not Available"; PolyPhen-2: "Benign"; Align-GVGD: "Not Available". The isoleucine amino acid residue is found in multiple mammalian species, suggesting that this missense change does not adversely affect protein function. These predictions have not been confirmed by published functional studies and their clinical significance is uncertain. In summary, the available evidence is currently insufficient to determine the role of this variant in disease. Therefore, it has been classified as a Variant of Uncertain Significance.

NM_000377.3(WAS):c.52G>A (p.Val18Ile)

Gene: WAS (WASP actin nucleation promoting factor; plus strand). Cytogenetic location: Xp11.23.
Variant type: single nucleotide variant.
Coding change: c.52G>A on transcript NM_000377.3 (MANE Select); coding-DNA position 52, G replaced by A.
Protein change: p.Val18Ile; replaces valine 18 with isoleucine.
Molecular consequence: missense variant.
Genome position (GRCh38, 1-based): chrX:48,683,905, G>A. VCF-style: chrX-48683905-G-A. GRCh37 (hg19) VCF-style: chrX-48542294-G-A.
Other names: short protein forms V18I.
Identifiers: ClinVar variation 1447769 (VCV001447769.5), dbSNP rs1569493676, ClinGen allele CA412865387.